The following is an entry in ClinVar:

NM_000548.5(TSC2):c.4769A>T (p.Asp1590Val)

Gene: TSC2 (TSC complex subunit 2; plus strand). Cytogenetic location: 16p13.3.
Variant type: single nucleotide variant.
Coding change: c.4769A>T on transcript NM_000548.5 (MANE Select); coding-DNA position 4769, A replaced by T.
Protein change: p.Asp1590Val; replaces aspartic acid 1590 with valine.
Molecular consequence: missense variant.
Genome position (GRCh38, 1-based): chr16:2,086,299, A>T. VCF-style: chr16-2086299-A-T. GRCh37 (hg19) VCF-style: chr16-2136300-A-T.
Other names: c.4568A>T, p.Asp1523Val (NM_001077183.3); c.4700A>T, p.Asp1567Val (NM_001114382.3); c.4460A>T, p.Asp1487Val (NM_001318827.2); c.4424A>T, p.Asp1475Val (NM_001318829.2); c.4037A>T, p.Asp1346Val (NM_001318831.2); c.4601A>T, p.Asp1534Val (NM_001318832.2); c.4571A>T, p.Asp1524Val (NM_001363528.2); c.4637A>T, p.Asp1546Val (NM_001370404.1); and 1 more; short protein forms D1346V, D1475V, D1487V, D1523V, D1524V, D1534V, D1546V, D1547V.
Identifiers: ClinVar variation 1001704 (VCV001001704.8), dbSNP rs2090780608, ClinGen allele CA394307883.

ClinVar aggregate classification (germline): Uncertain significance (1 of 4 stars; one submission).

Conditions:
Tuberous sclerosis 2 (TSC2). Identifiers: Orphanet 805, MedGen C1860707, MONDO:0013199, OMIM 613254.

Submission:

Labcorp Genetics (formerly Invitae), Labcorp
Classification: Uncertain significance for Tuberous sclerosis 2. Last evaluated: 2020-06-25. Review status: criteria provided, single submitter. Criteria: Invitae Variant Classification Sherloc (09022015). Collection method: clinical testing. Allele origin: germline.
Comment: In summary, the available evidence is currently insufficient to determine the role of this variant in disease. Therefore, it has been classified as a Variant of Uncertain Significance. Algorithms developed to predict the effect of missense changes on protein structure and function are either unavailable or do not agree on the potential impact of this missense change (SIFT: "Deleterious"; PolyPhen-2: "Probably Damaging"; Align-GVGD: "Class C0"). This variant has not been reported in the literature in individuals with TSC2-related conditions. This variant is not present in population databases (ExAC no frequency). This sequence change replaces aspartic acid with valine at codon 1590 of the TSC2 protein (p.Asp1590Val). The aspartic acid residue is highly conserved and there is a large physicochemical difference between aspartic acid and valine.